The following is an entry in ClinVar:

ClinVar aggregate classification (germline): Likely pathogenic (1 of 4 stars; one submission).

Conditions:
Retinitis pigmentosa 25 (RP25). Identifiers: Orphanet 791, MedGen C1864446, MONDO:0011272, OMIM 602772.

Submission:

Natera, Inc.
Classification: Likely pathogenic for Retinitis pigmentosa type 25. Last evaluated: 2024-04-26. Review status: criteria provided, single submitter. Criteria: Natera Variant Classification Schema (03/2026). Collection method: clinical testing. Allele origin: germline.
Comment: The c.7442dupG variant in EYS is a frameshift variant predicted to shift the reading frame beginning at codon 2482 and leads to a stop codon 9 codons downstream. This variant is expected to result in nonsense mediated decay, truncation, or a dysfunctional protein product. This variant is rare in the general population with a frequency below the threshold expected for the associated phenotype(s). Given the available evidence, this variant is classified as Likely Pathogenic.

NM_001142800.2(EYS):c.7442dup (p.Leu2482fs)

Gene: EYS (EGF-like photoreceptor maintenance factor; minus strand). Cytogenetic location: 6q12.
Variant type: Duplication.
Coding change: c.7442dup on transcript NM_001142800.2 (MANE Select); coding-DNA position 7442, one base duplicated (G; older notation c.7442dupG).
Protein change: p.Leu2482fs; shifts the reading frame from leucine 2482.
Molecular consequence: frameshift variant.
Genome position (GRCh38, 1-based): chr6:63,789,194, C duplicated on the plus strand (G on the coding strand, the reverse complement: EYS is on the minus strand); the first of 3 consecutive C bases (chr6:63,789,194-63,789,196); duplicating any one gives the same sequence. VCF-style (leftmost placement, unchanged base first): chr6-63789193-G-GC. GRCh37 (hg19) VCF-style: chr6-64499086-G-GC.
Other names: c.7442dup, p.Leu2482fs (NM_001292009.2); short protein forms L2482fs.
Identifiers: ClinVar variation 4814656 (VCV004814656.1).
Genomic context (GRCh38, chr6:63,789,193, plus strand): 5'-CCTGATGCTTGCTATGCCAGACCCCAGGTTATAACTATAAACCACACTGCCATTGAGCAG[G>GC]CCCACAGCCAGGAAGTCATCGCCATTCAACCCTGGAATGAGAAGACACATGGGGAATGCT-3'